The following is an entry in ClinVar:

NM_000465.4(BARD1):c.966_967dup (p.Gly323fs)

Gene: BARD1 (BRCA1 associated RING domain 1; minus strand). Cytogenetic location: 2q35.
Variant type: Duplication.
Coding change: c.966_967dup on transcript NM_000465.4 (MANE Select); coding-DNA positions 966 to 967, 2 bases duplicated (TG; older notation c.966_967dupTG).
Protein change: p.Gly323fs; shifts the reading frame from glycine 323.
Molecular consequence: frameshift variant. On other transcripts: non-coding transcript variant (2), intron variant (3).
Genome position (GRCh38, 1-based): chr2:214,780,907-214,780,908, CA duplicated on the plus strand (TG on the coding strand, the reverse complement: BARD1 is on the minus strand); duplicating any 2 consecutive bases within chr2:214,780,907-214,780,909 gives the same sequence; the c. name uses the placement nearest the transcript's 3' end. VCF-style (leftmost placement, unchanged base first): chr2-214780906-C-CCA. GRCh37 (hg19) VCF-style: chr2-215645630-C-CCA.
Other names: c.909_910dup, p.Gly304fs (NM_001282543.2); c.159-28353_159-28352dup (NM_001282548.2); c.215+16153_215+16154dup (NM_001282545.2); c.364+11389_364+11390dup (NM_001282549.2); short protein forms G304fs, G323fs.
Identifiers: ClinVar variation 2583319 (VCV002583319.2), dbSNP rs2469506018, ClinGen allele CA2582342110.

ClinVar aggregate classification (germline): Pathogenic (1 of 4 stars; one submission).

Conditions:
Familial cancer of breast. Also called: Hereditary breast cancer; BREAST CANCER, FAMILIAL; hereditary breast carcinoma. Identifiers: Orphanet 227535, MedGen C0346153, MONDO:0016419, OMIM 114480. Disease mechanism: loss of function.

Submission:

Myriad Genetics, Inc.
Classification: Pathogenic for Familial cancer of breast. Last evaluated: 2023-05-19. Review status: criteria provided, single submitter. Criteria: Myriad Autosomal Dominant, Autosomal Recessive and X-Linked Classification Criteria (2023). Collection method: clinical testing. Allele origin: unknown.
Comment: This variant is considered pathogenic. This variant creates a frameshift predicted to result in premature protein truncation.